The following is an entry in ClinVar:

ClinVar aggregate classification (germline): Uncertain significance (1 of 4 stars; one submission).

Conditions:
Neuropathy, hereditary sensory and autonomic, type 2A (HSAN2A). Also called: MORVAN DISEASE; NEUROPATHY, CONGENITAL SENSORY; NEUROPATHY, HEREDITARY SENSORY RADICULAR, AUTOSOMAL RECESSIVE; NEUROPATHY, HEREDITARY SENSORY, TYPE IIA; NEUROPATHY, PROGRESSIVE SENSORY, OF CHILDREN; ACROOSTEOLYSIS, GIACCAI TYPE. Identifiers: Orphanet 970, MedGen C2752089, MONDO:0024309, OMIM 201300.
Generalized epilepsy with febrile seizures plus, type 7 (GEFSP7). Also called: GEFS+, TYPE 7. Identifiers: Orphanet 36387, MedGen C2751778, MONDO:0013470, OMIM 613863.

Submission:

Labcorp Genetics (formerly Invitae), Labcorp
Classification: Uncertain significance for Neuropathy, hereditary sensory and autonomic, type 2A; Generalized epilepsy with febrile seizures plus, type 7. Last evaluated: 2025-03-18. Review status: criteria provided, single submitter. Criteria: Invitae Variant Classification Sherloc (09022015). Collection method: clinical testing. Allele origin: germline.
Comment: This sequence change replaces isoleucine, which is neutral and non-polar, with methionine, which is neutral and non-polar, at codon 397 of the SCN9A protein (p.Ile397Met). This variant is not present in population databases (gnomAD no frequency). This variant has not been reported in the literature in individuals affected with SCN9A-related conditions. Invitae Evidence Modeling of protein sequence and biophysical properties (such as structural, functional, and spatial information, amino acid conservation, physicochemical variation, residue mobility, and thermodynamic stability) indicates that this missense variant is not expected to disrupt SCN9A protein function with a negative predictive value of 80%. In summary, the available evidence is currently insufficient to determine the role of this variant in disease. Therefore, it has been classified as a Variant of Uncertain Significance.

NM_001365536.1(SCN9A):c.1191C>G (p.Ile397Met)

Genes: SCN1A-AS1 (SCN1A and SCN9A antisense RNA 1; plus strand), SCN9A (sodium voltage-gated channel alpha subunit 9; minus strand). Cytogenetic location: 2q24.3.
Variant type: single nucleotide variant.
Coding change: c.1191C>G on transcript NM_001365536.1 (MANE Select); coding-DNA position 1191, C replaced by G.
Protein change: p.Ile397Met; replaces isoleucine 397 with methionine.
Molecular consequence: missense variant.
Genome position (GRCh38, 1-based): chr2:166,288,560, G>C on the plus strand (C>G on the coding strand, the complement: SCN9A is on the minus strand). VCF-style: chr2-166288560-G-C. GRCh37 (hg19) VCF-style: chr2-167145070-G-C.
Other names: c.1191C>G, p.Ile397Met (NM_002977.4); short protein forms I397M.
Identifiers: ClinVar variation 3755209 (VCV003755209.2).
Genomic context (GRCh38, chr2:166,288,560, plus strand): 5'-TTTAGCTTCTTCAATGTTTGCCTGGTTCTGTTCTTCATATGCCATGGCAACCACAGCCAG[G>C]ATCAAGTTTATTAGATAAAAGGAGCCCAGGAAAATCACTACGACAAAGAAGATCATGTAG-3'
Protein context (NP_001352465.1, residues 387-407): FLGSFYLINL[Ile397Met]LAVVAMAYEE